The following is an entry in ClinVar:

ClinVar aggregate classification (germline): Uncertain significance. Review status: criteria provided, multiple submitters, no conflicts (2 of 4 stars). 3 submissions from 3 submitters: Uncertain significance (3). Last evaluated 2024-10-10.

Conditions:
Cardiovascular phenotype. Identifiers: MedGen CN230736.
Familial hyperaldosteronism type III. Also called: Familial hyperaldosteronism type 3; FH III. Identifiers: Orphanet 251274, MedGen C3838758, MONDO:0013359, OMIM 613677.
Long QT syndrome 13 (LQT13). Identifiers: Orphanet 101016, Orphanet 768, MedGen C3150733, MONDO:0013279, OMIM 613485.
Long QT syndrome (LQTS). Identifiers: MedGen C0023976, MeSH D008133, MONDO:0002442. Disease mechanism: loss of function. Inheritance: Various modes of inheritance.

Allele frequency attached by ClinVar (database versions not stated): ExAC 0.00002; gnomAD 0.00002; gnomAD exomes 0.00002; TOPMed 0.00003; ESP Exome Variant Server 0.00008.
gnomAD v4.1: 103 of 1,614,108 alleles (0.0064%); highest among the groups gnomAD compares: Non-Finnish European, 0.0086%; no homozygotes.

Submissions (3):

Labcorp Genetics (formerly Invitae), Labcorp
Classification: Uncertain significance for Long QT syndrome. Last evaluated: 2024-10-10. Review status: criteria provided, single submitter. Criteria: Invitae Variant Classification Sherloc (09022015). Collection method: clinical testing. Allele origin: germline.
Comment: This sequence change replaces arginine, which is basic and polar, with histidine, which is basic and polar, at codon 52 of the KCNJ5 protein (p.Arg52His). This variant is present in population databases (rs144062083, gnomAD 0.004%). This missense change has been observed in individual(s) with clinical features of hyperaldosteronism and/or sudden cardiac arrest (PMID: 24420545, 30975432). ClinVar contains an entry for this variant (Variation ID: 1007137). Invitae Evidence Modeling of protein sequence and biophysical properties (such as structural, functional, and spatial information, amino acid conservation, physicochemical variation, residue mobility, and thermodynamic stability) indicates that this missense variant is expected to disrupt KCNJ5 protein function with a positive predictive value of 80%. Experimental studies are conflicting or provide insufficient evidence to determine the effect of this variant on KCNJ5 function (PMID: 24420545, 34957562). In summary, the available evidence is currently insufficient to determine the role of this variant in disease. Therefore, it has been classified as a Variant of Uncertain Significance.

Fulgent Genetics
Classification: Uncertain significance for Long QT syndrome 13; Familial hyperaldosteronism type III. Last evaluated: 2024-04-01. Review status: criteria provided, single submitter. Criteria: ACMG Guidelines, 2015. Collection method: clinical testing. Allele origin: germline.

Ambry Genetics
Classification: Uncertain significance for Cardiovascular phenotype. Last evaluated: 2023-10-25. Review status: criteria provided, single submitter. Criteria: Ambry Variant Classification Scheme 2023. Collection method: clinical testing. Allele origin: germline.
Comment: The p.R52H variant (also known as c.155G>A), located in coding exon 1 of the KCNJ5 gene, results from a G to A substitution at nucleotide position 155. The arginine at codon 52 is replaced by histidine, an amino acid with highly similar properties. This amino acid position is highly conserved in available vertebrate species. In addition, this alteration is predicted to be deleterious by in silico analysis. Since supporting evidence is limited at this time, the clinical significance of this alteration remains unclear.

Literature cited by the submitters: PubMed 24420545 (cited by Labcorp Genetics (formerly Invitae), Labcorp and Ambry Genetics); PubMed 30975432 (cited by Labcorp Genetics (formerly Invitae), Labcorp and Ambry Genetics); PubMed 34957562 (cited by Labcorp Genetics (formerly Invitae), Labcorp).

NM_000890.5(KCNJ5):c.155G>A (p.Arg52His)

Gene: KCNJ5 (potassium inwardly rectifying channel subfamily J member 5; plus strand). Cytogenetic location: 11q24.3.
Variant type: single nucleotide variant.
Coding change: c.155G>A on transcript NM_000890.5 (MANE Select); coding-DNA position 155, G replaced by A.
Protein change: p.Arg52His; replaces arginine 52 with histidine.
Molecular consequence: missense variant.
Genome position (GRCh38, 1-based): chr11:128,911,428, G>A. VCF-style: chr11-128911428-G-A. GRCh37 (hg19) VCF-style: chr11-128781323-G-A.
Other names: c.155G>A, p.Arg52His (NM_001354169.2); short protein forms R52H.
Identifiers: ClinVar variation 1007137 (VCV001007137.11), dbSNP rs144062083, ClinGen allele CA6357832.